The following is an entry in ClinVar:

NM_030665.4(RAI1):c.3529C>T (p.Leu1177Phe)

Gene: RAI1 (retinoic acid induced 1; plus strand). Cytogenetic location: 17p11.2.
Variant type: single nucleotide variant.
Coding change: c.3529C>T on transcript NM_030665.4 (MANE Select); coding-DNA position 3529, C replaced by T.
Protein change: p.Leu1177Phe; replaces leucine 1177 with phenylalanine.
Molecular consequence: missense variant.
Genome position (GRCh38, 1-based): chr17:17,796,477, C>T. VCF-style: chr17-17796477-C-T. GRCh37 (hg19) VCF-style: chr17-17699791-C-T.
Other names: short protein forms L1177F.
Identifiers: ClinVar variation 1390973 (VCV001390973.7), dbSNP rs2143002687, ClinGen allele CA398554403.
Genomic context (GRCh38, chr17:17,796,477, plus strand): 5'-CACTCCAAGCGGCGGAGGCCCTCTGAGGGCCGGCTCCCCAACTGCCGTGCCACCAAGAAG[C>T]TCCTCGACAACAGCCACTTGCCCGCCACATTCAAGGTCTCCAGCAGCCCCCAGAAGGAGG-3'
Protein context (NP_109590.3, residues 1167-1187): RLPNCRATKK[Leu1177Phe]LDNSHLPATF

ClinVar aggregate classification (germline): Uncertain significance. Review status: criteria provided, multiple submitters, no conflicts (2 of 4 stars). 2 submissions from 2 submitters: Uncertain significance (2). Last evaluated 2022-06-10.

Submissions (2):

GeneDx
Classification: Uncertain significance. Last evaluated: 2022-06-10. Review status: criteria provided, single submitter. Criteria: GeneDx Variant Classification Process June 2021. Collection method: clinical testing. Allele origin: germline. Affected: yes.
Comment: Not observed at significant frequency in large population cohorts (gnomAD); In silico analysis supports that this missense variant does not alter protein structure/function; Has not been previously published as pathogenic or benign to our knowledge

Labcorp Genetics (formerly Invitae), Labcorp
Classification: Uncertain significance. Last evaluated: 2021-11-17. Review status: criteria provided, single submitter. Criteria: Invitae Variant Classification Sherloc (09022015). Collection method: clinical testing. Allele origin: germline.
Comment: In summary, the available evidence is currently insufficient to determine the role of this variant in disease. Therefore, it has been classified as a Variant of Uncertain Significance. Algorithms developed to predict the effect of missense changes on protein structure and function are either unavailable or do not agree on the potential impact of this missense change (SIFT: "Tolerated"; PolyPhen-2: "Possibly Damaging"; Align-GVGD: "Class C0"). This variant has not been reported in the literature in individuals affected with RAI1-related conditions. This variant is not present in population databases (gnomAD no frequency). This sequence change replaces leucine, which is neutral and non-polar, with phenylalanine, which is neutral and non-polar, at codon 1177 of the RAI1 protein (p.Leu1177Phe).